The following is an entry in ClinVar:

ClinVar aggregate classification (germline): Conflicting classifications of pathogenicity. Review status: criteria provided, conflicting classifications (1 of 4 stars). 2 submissions from 2 submitters: Uncertain significance (1); Benign (1). Last evaluated 2024-03-22.

Conditions:
Familial adenomatous polyposis 1 (FAP1). Also called: POLYPOSIS, ADENOMATOUS INTESTINAL; FAMILIAL ADENOMATOUS POLYPOSIS 1, ATTENUATED. Identifiers: MedGen C2713442, MONDO:0021056, OMIM 175100. Disease mechanism: loss of function.

Submissions (2):

Myriad Genetics, Inc.
Classification: Benign for Familial adenomatous polyposis 1. Last evaluated: 2024-03-22. Review status: criteria provided, single submitter. Criteria: Myriad Autosomal Dominant, Autosomal Recessive and X-Linked Classification Criteria (2023). Collection method: clinical testing. Allele origin: unknown.
Comment: This variant is considered benign. This variant is a silent/synonymous amino acid change and it is not expected to impact splicing.

GeneDx
Classification: Uncertain significance. Last evaluated: 2022-04-18. Review status: criteria provided, single submitter. Criteria: GeneDx Variant Classification Process June 2021. Collection method: clinical testing. Allele origin: germline. Affected: yes.
Comment: Not observed at significant frequency in large population cohorts (gnomAD); In silico analysis supports that this variant does not alter splicing; Has not been previously published as pathogenic or benign to our knowledge

NM_000038.6(APC):c.3715A>C (p.Arg1239=)

Gene: APC (APC regulator of Wnt signaling pathway; plus strand). Cytogenetic location: 5q22.2.
Variant type: single nucleotide variant.
Coding change: c.3715A>C on transcript NM_000038.6 (MANE Select); coding-DNA position 3715, A replaced by C.
Protein change: p.Arg1239=; no amino-acid change (arginine 1239 retained).
Molecular consequence: synonymous variant. On other transcripts: non-coding transcript variant (2).
Genome position (GRCh38, 1-based): chr5:112,839,309, A>C. VCF-style: chr5-112839309-A-C. GRCh37 (hg19) VCF-style: chr5-112175006-A-C.
Other names: c.3715A>C, p.Arg1239= (NM_001127510.3, NM_001354895.2, NM_001407450.1); c.3661A>C, p.Arg1221= (NM_001127511.3); c.3769A>C, p.Arg1257= (NM_001354896.2, NM_001407447.1, NM_001407448.1 and 1 more transcripts); c.3745A>C, p.Arg1249= (NM_001354897.2); c.3640A>C, p.Arg1214= (NM_001354898.2); c.3631A>C, p.Arg1211= (NM_001354899.2); c.3592A>C, p.Arg1198= (NM_001354900.2); c.3538A>C, p.Arg1180= (NM_001354901.2, NM_001407453.1); and 11 more.
Identifiers: ClinVar variation 1711940 (VCV001711940.3), dbSNP rs781075182, ClinGen allele CA445963949.